The following is an entry in ClinVar:

ClinVar aggregate classification (germline): Uncertain significance (1 of 4 stars; one submission).

Conditions:
Aortic valve disease 2 (AOVD2). Identifiers: MedGen C3542024, MONDO:0013902, OMIM 614823.

Submission:

Labcorp Genetics (formerly Invitae), Labcorp
Classification: Uncertain significance for Aortic valve disease 2. Last evaluated: 2021-10-13. Review status: criteria provided, single submitter. Criteria: Invitae Variant Classification Sherloc (09022015). Collection method: clinical testing. Allele origin: germline.
Comment: Algorithms developed to predict the effect of missense changes on protein structure and function are either unavailable or do not agree on the potential impact of this missense change (SIFT: "Deleterious"; PolyPhen-2: "Probably Damaging"; Align-GVGD: "Class C0"). In summary, the available evidence is currently insufficient to determine the role of this variant in disease. Therefore, it has been classified as a Variant of Uncertain Significance. This variant has not been reported in the literature in individuals affected with SMAD6-related conditions. The frequency data for this variant in the population databases is considered unreliable, as metrics indicate insufficient coverage at this position in the ExAC database. This sequence change replaces leucine with arginine at codon 13 of the SMAD6 protein (p.Leu13Arg). The leucine residue is highly conserved and there is a moderate physicochemical difference between leucine and arginine.

NM_005585.5(SMAD6):c.38T>G (p.Leu13Arg)

Gene: SMAD6 (SMAD family member 6; plus strand). Cytogenetic location: 15q22.31.
Variant type: single nucleotide variant.
Coding change: c.38T>G on transcript NM_005585.5 (MANE Select); coding-DNA position 38, T replaced by G.
Protein change: p.Leu13Arg; replaces leucine 13 with arginine.
Molecular consequence: missense variant. On other transcripts: non-coding transcript variant (1).
Genome position (GRCh38, 1-based): chr15:66,703,296, T>G. VCF-style: chr15-66703296-T-G. GRCh37 (hg19) VCF-style: chr15-66995634-T-G.
Other names: short protein forms L13R.
Identifiers: ClinVar variation 970013 (VCV000970013.7), dbSNP rs1893016936, ClinGen allele CA392948338.